The following is an entry in ClinVar:

ClinVar aggregate classification (germline): Pathogenic/Likely pathogenic. Review status: criteria provided, multiple submitters, no conflicts (2 of 4 stars). 2 submissions from 2 submitters: Pathogenic (1); Likely pathogenic (1). Last evaluated 2024-04-05.
ClinVar aggregate classification (oncogenicity): Uncertain significance (1 of 4 stars; one submission).

Conditions:
Gastrointestinal stromal tumor. Also called: Gastrointestinal stromal tumor, somatic; Gastrointestinal stroma tumor. Identifiers: Orphanet 44890, MedGen C0238198, MeSH D046152, MONDO:0011719, OMIM 606764, HP:0100723.
Pheochromocytoma/paraganglioma syndrome 3. Also called: Paragangliomas 3; SDHC-Related Hereditary Paraganglioma-Pheochromocytoma Syndrome (Paragangliomas 3); GLOMUS TUMORS, FAMILIAL, 3; SDHC-Related Hereditary Paraganglioma-Pheochromocytoma Syndrome. Identifiers: Orphanet 29072, MedGen C1854336, MONDO:0011544, OMIM 605373.
Hereditary cancer-predisposing syndrome. Also called: Neoplastic Syndromes, Hereditary; Hereditary Cancer Syndrome; Tumor predisposition; Hereditary neoplastic syndrome. Identifiers: Orphanet 140162, MedGen C0027672, MeSH D009386, MONDO:0015356.
Neoplasm. Also called: tumor; Neoplasms; Neoplasm (disease). Identifiers: MedGen C0027651, MeSH D009369, MONDO:0005070, HP:0002664.

Allele frequency attached by ClinVar (database versions not stated): TOPMed below 0.00001; gnomAD 0.00001; gnomAD exomes below 0.00001.

Submissions (3):

Center for Genomic Medicine, Rigshospitalet, Copenhagen University Hospital
Classification: Uncertain significance for Neoplasm. Last evaluated: 2026-10-16. Review status: criteria provided, single submitter. Criteria: ClinGen/CGC/VICC Guidelines for Oncogenicity, 2022. Collection method: clinical testing. Allele origin: somatic. Affected: yes.

Labcorp Genetics (formerly Invitae), Labcorp
Classification: Pathogenic for Pheochromocytoma/paraganglioma syndrome 3; Gastrointestinal stromal tumor. Last evaluated: 2024-04-05. Review status: criteria provided, single submitter. Criteria: Invitae Variant Classification Sherloc (09022015). Collection method: clinical testing. Allele origin: germline.
Comment: This sequence change affects an acceptor splice site in intron 2 of the SDHC gene. RNA analysis indicates that disruption of this splice site induces altered splicing and likely results in a shortened protein product. This variant is not present in population databases (gnomAD no frequency). This variant has not been reported in the literature in individuals affected with SDHC-related conditions. ClinVar contains an entry for this variant (Variation ID: 185473). Studies have shown that disruption of this splice site results in skipping of exon 3, but is expected to preserve the integrity of the reading-frame (Invitae). This variant disrupts a region of the SDHC protein in which other variant(s) (p.Arg50) have been determined to be pathogenic (PMID: 19351833, 23666964, 24102379). This suggests that this is a clinically significant region of the protein, and that variants that disrupt it are likely to be disease-causing. For these reasons, this variant has been classified as Pathogenic.

Ambry Genetics
Classification: Likely pathogenic for Hereditary cancer-predisposing syndrome. Last evaluated: 2023-07-26. Review status: criteria provided, single submitter. Criteria: Ambry Variant Classification Scheme 2023. Collection method: clinical testing. Allele origin: germline.
Comment: The c.78-1G>A intronic variant results from a G to A substitution one nucleotide upstream from coding exon 3 of the SDHC gene. This nucleotide position is highly conserved in available vertebrate species. This alteration has been observed in at least one individual who has a personal or family history that is consistent with SDHC-associated disease (Ambry internal data). RNA studies have demonstrated that this alteration results in abnormal splicing in the set of samples tested (Ambry internal data). In silico splice site analysis predicts that this alteration will weaken the native splice acceptor site. This variant is considered to be rare based on population cohorts in the Genome Aggregation Database (gnomAD). Alterations that disrupt the canonical splice site are expected to cause aberrant splicing, resulting in an abnormal protein or a transcript that is subject to nonsense-mediated mRNA decay. As such, this alteration is classified as likely pathogenic.

Literature cited by the submitters: PubMed 19351833 (cited by Labcorp Genetics (formerly Invitae), Labcorp); PubMed 23666964 (cited by Labcorp Genetics (formerly Invitae), Labcorp); PubMed 24102379 (cited by Labcorp Genetics (formerly Invitae), Labcorp).

NM_003001.5(SDHC):c.78-1G>A

Gene: SDHC (succinate dehydrogenase complex subunit C; plus strand). Cytogenetic location: 1q23.3.
Variant type: single nucleotide variant.
Coding change: c.78-1G>A on transcript NM_003001.5 (MANE Select); the canonical splice acceptor site of the intron before coding-DNA position 78, G replaced by A.
Molecular consequence: splice acceptor variant. On other transcripts: intron variant (4).
Genome position (GRCh38, 1-based): chr1:161,328,395, G>A. VCF-style: chr1-161328395-G-A. GRCh37 (hg19) VCF-style: chr1-161298185-G-A.
Other names: c.-34-1G>A (NM_001407119.1, NM_001407120.1); c.78-1G>A (NM_001407115.1, NM_001035511.3); c.77+4725G>A (NM_001035512.3, NM_001278172.3, NM_001407118.1); c.21-1G>A (NM_001407116.1, NM_001407121.1, NM_001407117.1); c.21-12199G>A (NM_001035513.3).
Identifiers: ClinVar variation 185473 (VCV000185473.10), dbSNP rs786202200, ClinGen allele CA011508.
Genomic context (GRCh38, chr1:161,328,395, plus strand): 5'-ATGCAAAATATTAAACCAAGTTTACTTTTAGTTATTTTCAAACGGTCTGGTTTTATTTTA[G>A]TGCTGTTCCTTTGGGAACCACGGCCAAAGAAGAGATGGAGCGGTTCTGGAATAAGAATAT-3'